The following is an entry in ClinVar:

ClinVar aggregate classification (germline): Pathogenic (1 of 4 stars; one submission).

Conditions:
Coffin-Siris syndrome 1 (CSS1). Also called: ARID1B-Related Coffin-Siris Syndrome; Mental retardation, autosomal dominant 12. Identifiers: Orphanet 1465, MedGen C3281201, MONDO:0007617, OMIM 135900. Disease mechanism: gain of function.

Submission:

3billion
Classification: Pathogenic for Coffin-Siris syndrome 1. Last evaluated: 2025-08-21. Review status: criteria provided, single submitter. Criteria: ACMG Guidelines, 2015. Collection method: clinical testing. Allele origin: germline. Affected: yes.
Comment: The variant is not observed in the gnomAD v4.1.0 dataset. Predicted Consequence/Location: Frameshift: predicted to result in a loss or disruption of normal protein function through nonsense-mediated decay (NMD) or protein truncation. Multiple pathogenic variants are reported downstream of the variant. The variant has been reported to be associated with ARID1B-related disorder (3billion dataset). Therefore, this variant is classified as Pathogenic according to the recommendation of ACMG/AMP guideline.

NM_001374828.1(ARID1B):c.3344del (p.Lys1115fs)

Gene: ARID1B (AT-rich interaction domain 1B; plus strand). Cytogenetic location: 6q25.3.
Variant type: Deletion.
Coding change: c.3344del on transcript NM_001374828.1 (MANE Select); coding-DNA position 3344, one base deleted (A; older notation c.3344delA).
Protein change: p.Lys1115fs; shifts the reading frame from lysine 1115.
Molecular consequence: frameshift variant.
Genome position (GRCh38, 1-based): chr6:157,174,116, A deleted; the last of 3 consecutive A bases (chr6:157,174,114-157,174,116); deleting any one gives the same sequence. VCF-style (leftmost placement, unchanged base first): chr6-157174113-CA-C. GRCh37 (hg19) VCF-style: chr6-157495247-CA-C.
Other names: c.845del, p.Lys282fs (NM_001363725.2, NM_001438488.1); c.3383del, p.Lys1128fs (NM_001371656.1, NM_001374820.1); c.3473del, p.Lys1158fs (NM_001438482.1); c.3386del, p.Lys1129fs (NM_001438483.1, NM_001438486.1); c.3254del, p.Lys1085fs (NM_001438485.1); c.3164del, p.Lys1055fs (NM_001438487.1); c.3344del, p.Lys1115fs (NM_017519.3); short protein forms K1055fs, K1085fs, K1115fs, K1128fs, K1129fs, K1158fs, K282fs.
Identifiers: ClinVar variation 4853987 (VCV004853987.1).